The following is an entry in ClinVar:

NM_201596.3(CACNB2):c.1682A>G (p.Glu561Gly)

Gene: CACNB2 (calcium voltage-gated channel auxiliary subunit beta 2; plus strand). Cytogenetic location: 10p12.31.
Variant type: single nucleotide variant.
Coding change: c.1682A>G on transcript NM_201596.3 (MANE Select); coding-DNA position 1682, A replaced by G.
Protein change: p.Glu561Gly; replaces glutamic acid 561 with glycine.
Molecular consequence: missense variant.
Genome position (GRCh38, 1-based): chr10:18,539,423, A>G. VCF-style: chr10-18539423-A-G. GRCh37 (hg19) VCF-style: chr10-18828352-A-G.
Other names: c.1517A>G, p.Glu506Gly (NM_000724.4); c.1484A>G, p.Glu495Gly (NM_001167945.2); c.1403A>G, p.Glu468Gly (NM_001330060.2); c.1538A>G, p.Glu513Gly (NM_201570.3); c.1598A>G, p.Glu533Gly (NM_201571.4); c.1526A>G, p.Glu509Gly (NM_201572.4); c.1520A>G, p.Glu507Gly (NM_201590.3); c.1568A>G, p.Glu523Gly (NM_201593.3); and 1 more; short protein forms E537G, E561G, E468G, E495G, E506G, E507G, E509G, E513G.
Identifiers: ClinVar variation 1060931 (VCV001060931.9), dbSNP rs2133335003, ClinGen allele CA376071735.

ClinVar aggregate classification (germline): Uncertain significance (1 of 4 stars; one submission).

Conditions:
Brugada syndrome 4 (BRGDA4). Identifiers: Orphanet 130, MedGen C2678477, MONDO:0012743, OMIM 611876.

Allele frequency attached by ClinVar (database versions not stated): gnomAD exomes below 0.00001.
gnomAD v4.1: 1 of 1,614,086 alleles (0.000062%); highest among the groups gnomAD compares: Non-Finnish European, 0.000085%; no homozygotes.

Submission:

Labcorp Genetics (formerly Invitae), Labcorp
Classification: Uncertain significance for Brugada syndrome 4. Last evaluated: 2020-06-29. Review status: criteria provided, single submitter. Criteria: Invitae Variant Classification Sherloc (09022015). Collection method: clinical testing. Allele origin: germline.
Comment: In summary, the available evidence is currently insufficient to determine the role of this variant in disease. Therefore, it has been classified as a Variant of Uncertain Significance. Algorithms developed to predict the effect of missense changes on protein structure and function are either unavailable or do not agree on the potential impact of this missense change (SIFT: "Deleterious"; PolyPhen-2: "Benign"; Align-GVGD: "Class C0"). This variant has not been reported in the literature in individuals with CACNB2-related conditions. This variant is not present in population databases (ExAC no frequency). This sequence change replaces glutamic acid with glycine at codon 507 of the CACNB2 protein (p.Glu507Gly). The glutamic acid residue is moderately conserved and there is a moderate physicochemical difference between glutamic acid and glycine.